The following is an entry in ClinVar:

ClinVar aggregate classification (germline): Conflicting classifications of pathogenicity. Review status: criteria provided, conflicting classifications (1 of 4 stars). 4 submissions from 4 submitters: Uncertain significance (2); Likely benign (2). Last evaluated 2025-11-04.

Conditions:
ADNP-related disorder. Also called: ADNP-related condition.
Inborn genetic diseases. Identifiers: MedGen C0950123, MeSH D030342.
ADNP-related multiple congenital anomalies - intellectual disability - autism spectrum disorder. Also called: Helsmoortel-Van der Aa Syndrome; ADNP-Related Helsmoortel-Van der Aa Syndrome. Identifiers: Orphanet 404448, MedGen C4014538, MONDO:0014379, OMIM 615873. Disease mechanism: loss of function.

Allele frequency attached by ClinVar (database versions not stated): ExAC 0.00007; gnomAD exomes 0.00008 and 0.00009; gnomAD 0.00010 and 0.00011; TOPMed 0.00010; ESP Exome Variant Server 0.00015; 1000 Genomes Project 30x 0.00047; 1000 Genomes Project 0.00060.

Submissions (4):

Women's Health and Genetics/Laboratory Corporation of America, LabCorp
Classification: Uncertain significance. Last evaluated: 2025-11-04. Review status: criteria provided, single submitter. Criteria: LabCorp Variant Classification Summary - May 2015. Collection method: clinical testing. Allele origin: germline.
Comment: Variant summary: ADNP c.356A>G (p.Lys119Arg) results in a conservative amino acid change in the encoded protein sequence. Algorithms developed to predict the effect of missense changes on protein structure and function are either unavailable or do not agree on the potential impact of this missense change. The variant allele was found at a frequency of 7.6e-05 in 251302 control chromosomes, predominantly at a frequency of 0.00016 within the Non-Finnish European subpopulation in the gnomAD database. This frequency is not significantly higher than estimated for disease-causing variants in ADNP, allowing no conclusion about variant significance. c.356A>G has been observed in one individual affected with ADNP syndrome, without strong evidence for causality (Bend_2019). These report(s) do not provide unequivocal conclusions about association of the variant with ADNP-Related Multiple Congenital Anomalies-Intellectual Disability-Autism Spectrum Disorder. To our knowledge, no experimental evidence demonstrating an impact on protein function has been reported. The following publication has been ascertained in the context of this evaluation (PMID: 31029150). ClinVar contains an entry for this variant (Variation ID: 588925). Based on the evidence outlined above, the variant was classified as uncertain significance.

Labcorp Genetics (formerly Invitae), Labcorp
Classification: Uncertain significance. Last evaluated: 2025-10-29. Review status: criteria provided, single submitter. Criteria: Invitae Variant Classification Sherloc (09022015). Collection method: clinical testing. Allele origin: germline.
Comment: This sequence change replaces lysine, which is basic and polar, with arginine, which is basic and polar, at codon 119 of the ADNP protein (p.Lys119Arg). This variant is present in population databases (rs182284347, gnomAD 0.01%). This missense change has been observed in individual(s) with ADNP-related conditions (PMID: 31029150). ClinVar contains an entry for this variant (Variation ID: 588925). An algorithm developed to predict the effect of missense changes on protein structure and function (PolyPhen-2) suggests that this variant is likely to be tolerated. In summary, the available evidence is currently insufficient to determine the role of this variant in disease. Therefore, it has been classified as a Variant of Uncertain Significance.

PreventionGenetics, part of Exact Sciences
Classification: Likely benign for ADNP-related condition. Last evaluated: 2024-11-21. Review status: criteria provided, single submitter. Criteria: ACMG Guidelines, 2015. Collection method: clinical testing. Allele origin: germline.
Comment: This variant is classified as likely benign based on ACMG/AMP sequence variant interpretation guidelines (Richards et al. 2015 PMID: 25741868, with internal and published modifications).

Ambry Genetics
Classification: Likely benign for Inborn genetic diseases. Last evaluated: 2016-10-20. Review status: criteria provided, single submitter. Criteria: Ambry Variant Classification Scheme 2023. Collection method: clinical testing. Allele origin: germline.

Literature cited by the submitters: PubMed 31029150 (cited by Women's Health and Genetics/Laboratory Corporation of America, LabCorp and Labcorp Genetics (formerly Invitae), Labcorp).

NM_001282531.3(ADNP):c.356A>G (p.Lys119Arg)

Gene: ADNP (activity dependent neuroprotector homeobox; minus strand). Cytogenetic location: 20q13.13.
Variant type: single nucleotide variant.
Coding change: c.356A>G on transcript NM_001282531.3 (MANE Select); coding-DNA position 356, A replaced by G.
Protein change: p.Lys119Arg; replaces lysine 119 with arginine.
Molecular consequence: missense variant.
Genome position (GRCh38, 1-based): chr20:50,894,358, T>C on the plus strand (A>G on the coding strand, the complement: ADNP is on the minus strand). VCF-style: chr20-50894358-T-C. GRCh37 (hg19) VCF-style: chr20-49510895-T-C.
Other names: c.356A>G, p.Lys119Arg (NM_015339.5, NM_001282532.2, NM_001347511.2 and 1 more transcripts); c.356A>G (NM_001282531.2); short protein forms K119R.
Identifiers: ClinVar variation 588925 (VCV000588925.14), dbSNP rs182284347, ClinGen allele CA9908901.